The following is an entry in ClinVar:

NM_001195263.2(PDZD7):c.2719-9C>A

Gene: PDZD7 (PDZ domain containing 7; minus strand). Cytogenetic location: 10q24.31.
Variant type: single nucleotide variant.
Coding change: c.2719-9C>A on transcript NM_001195263.2 (MANE Select); 9 bases into the intron before coding-DNA position 2719, C replaced by A.
Molecular consequence: intron variant.
Genome position (GRCh38, 1-based): chr10:101,008,859, G>T on the plus strand (C>A on the coding strand, the complement: PDZD7 is on the minus strand). VCF-style: chr10-101008859-G-T. GRCh37 (hg19) VCF-style: chr10-102768616-G-T.
Identifiers: ClinVar variation 194722 (VCV000194722.23), dbSNP rs184247824, ClinGen allele CA240858.

ClinVar aggregate classification (germline): Conflicting classifications of pathogenicity. Review status: criteria provided, conflicting classifications (1 of 4 stars). 5 submissions from 5 submitters: Uncertain significance (1); Benign (2); Likely benign (1). 1 of the submissions does not count toward it. Last evaluated 2026-01-17.

Conditions:
PDZD7-related disorder. Also called: PDZD7-related disorders; PDZD7-related condition.

Allele frequency attached by ClinVar (database versions not stated): gnomAD exomes 0.00016 and 0.00051; 1000 Genomes Project 0.00080; ExAC 0.00096; 1000 Genomes Project 30x 0.00109; gnomAD 0.00173 and 0.00189; TOPMed 0.00185.
gnomAD v4.1: 480 of 1,477,962 alleles (0.032%); highest among the groups gnomAD compares: African/African-American, 0.62%; no homozygotes.

Submissions (5):

Labcorp Genetics (formerly Invitae), Labcorp
Classification: Benign. Last evaluated: 2026-01-17. Review status: criteria provided, single submitter. Criteria: Invitae Variant Classification Sherloc (09022015). Collection method: clinical testing. Allele origin: germline.

Blueprint Genetics
Classification: Likely benign. Last evaluated: 2024-08-21. Review status: criteria provided, single submitter. Criteria: ACMG Guidelines, 2015. Collection method: clinical testing. Allele origin: germline.

GeneDx
Classification: Benign. Last evaluated: 2021-10-07. Review status: criteria provided, single submitter. Criteria: GeneDx Variant Classification Process June 2021. Collection method: clinical testing. Allele origin: germline. Affected: yes.

Eurofins Ntd Llc (ga)
Classification: Uncertain significance. Last evaluated: 2015-06-04. Review status: criteria provided, single submitter. Criteria: EGL Classification Definitions 2015. Collection method: clinical testing. Allele origin: germline. Observed: 1 variant allele, 1 heterozygote.

PreventionGenetics, part of Exact Sciences
Classification: Likely benign for PDZD7-related condition. Last evaluated: 2019-07-15. Review status: no assertion criteria provided. Collection method: clinical testing. Allele origin: germline. Not counted in ClinVar's aggregate classification.
Comment: This variant is classified as likely benign based on ACMG/AMP sequence variant interpretation guidelines (Richards et al. 2015 PMID: 25741868, with internal and published modifications).